The following is an entry in ClinVar:

NM_024596.5(MCPH1):c.2215-1G>T

Genes: MCPH1 (microcephalin 1; plus strand), MCPH1-AS1 (MCPH1 antisense RNA 1; minus strand). Cytogenetic location: 8p23.1.
Variant type: single nucleotide variant.
Coding change: c.2215-1G>T on transcript NM_024596.5 (MANE Select); the canonical splice acceptor site of the intron before coding-DNA position 2215, G replaced by T.
Molecular consequence: splice acceptor variant. On other transcripts: non-coding transcript variant (1).
Genome position (GRCh38, 1-based): chr8:6,621,453, G>T. VCF-style: chr8-6621453-G-T. GRCh37 (hg19) VCF-style: chr8-6478974-G-T.
Other names: c.2215-1G>T (NM_001322042.2, NM_001363979.1, NM_001410917.1); c.1936-1G>T (NM_001363980.2).
Identifiers: ClinVar variation 2630629 (VCV002630629.4), dbSNP rs557690276, ClinGen allele CA171436412.

ClinVar aggregate classification (germline): Conflicting classifications of pathogenicity. Review status: criteria provided, conflicting classifications (1 of 4 stars). 3 submissions from 3 submitters: Likely pathogenic (2); Uncertain significance (1). Last evaluated 2026-07-24.

Conditions:
Microcephaly 1, primary, autosomal recessive (MCPH1). Also called: PREMATURE CHROMOSOME CONDENSATION SYNDROME; PCC SYNDROME; PREMATURE CHROMOSOME CONDENSATION WITH MICROCEPHALY AND MENTAL RETARDATION. Identifiers: Orphanet 2512, MedGen C1855081, MONDO:0009617, OMIM 251200.
MCPH1-related disorder. Also called: MCPH1-related condition.

Allele frequency attached by ClinVar (database versions not stated): gnomAD 0.00001; 1000 Genomes Project 30x 0.00016; 1000 Genomes Project 0.00020.
gnomAD v4.1: 1 of 1,613,874 alleles (0.000062%); highest among the groups gnomAD compares: East Asian, 0.0022%; no homozygotes.

Submissions (3):

Myriad Genetics, Inc.
Classification: Uncertain significance for Microcephaly 1, primary, autosomal recessive. Last evaluated: 2026-07-24. Review status: criteria provided, single submitter. Criteria: Myriad Autosomal Dominant, Autosomal Recessive and X-Linked Classification Criteria (2023). Collection method: clinical testing. Allele origin: unknown.
Comment: NM_024596.3(MCPH1):c.2215-1G>T is a variant in a canonical splice site classified as a variant of uncertain significance in the context of primary microcephaly, MCPH1-related. c.2215-1G>T has not been observed in cases with relevant disease. Relevant functional assessments of this variant are not available in the literature. c.2215-1G>T has not been observed in referenced population frequency databases. In summary, there is insufficient evidence to classify NM_024596.3(MCPH1):c.2215-1G>T as pathogenic or benign. Please note: this variant was assessed in the context of healthy population screening.

PreventionGenetics, part of Exact Sciences
Classification: Likely pathogenic for MCPH1-related condition. Last evaluated: 2023-02-09. Review status: criteria provided, single submitter. Criteria: ACMG Guidelines, 2015. Collection method: clinical testing. Allele origin: germline.
Comment: The MCPH1 c.2215-1G>T variant is predicted to disrupt the AG splice acceptor site and interfere with normal splicing. To our knowledge, this variant has not been reported in the literature or in a large population database, indicating this variant is rare. Variants that disrupt the consensus splice acceptor site in MCPH1 are expected to be pathogenic. This variant is interpreted as likely pathogenic.

Juno Genomics, Hangzhou Juno Genomics, Inc
Classification: Likely pathogenic for Microcephaly 1, primary, autosomal recessive. Review status: criteria provided, single submitter. Criteria: ACMG Guidelines, 2015. Collection method: clinical testing. Allele origin: germline.
Comment: Absent from controls (or at extremely low frequency if recessive) in Genome Aggregation Database.;Null variant in a gene where loss of function (LOF) is a known mechanism of disease.